The following is an entry in ClinVar:

NM_170665.4(ATP2A2):c.2407G>A (p.Ala803Thr)

Gene: ATP2A2 (ATPase sarcoplasmic/endoplasmic reticulum Ca2+ transporting 2; plus strand). Cytogenetic location: 12q24.11.
Variant type: single nucleotide variant.
Coding change: c.2407G>A on transcript NM_170665.4 (MANE Select); coding-DNA position 2407, G replaced by A.
Protein change: p.Ala803Thr; replaces alanine 803 with threonine.
Molecular consequence: missense variant.
Genome position (GRCh38, 1-based): chr12:110,343,320, G>A. VCF-style: chr12-110343320-G-A. GRCh37 (hg19) VCF-style: chr12-110781125-G-A.
Other names: c.2302G>A, p.Ala768Thr (NM_001413013.1); c.2407G>A, p.Ala803Thr (NM_001413014.1, NM_001681.4); c.2032G>A, p.Ala678Thr (NM_001413015.1); short protein forms A678T, A803T, A768T.
Identifiers: ClinVar variation 2137436 (VCV002137436.5), dbSNP rs2548564094, ClinGen allele CA386676086.

ClinVar aggregate classification (germline): Pathogenic/Likely pathogenic. Review status: criteria provided, multiple submitters, no conflicts (2 of 4 stars). 2 submissions from 2 submitters: Pathogenic (1); Likely pathogenic (1). Last evaluated 2023-03-31.

Conditions:
ATP2A2-related disorder. Also called: ATP2A2-related condition; ATP2A2-Related Disorders.

Allele frequency attached by ClinVar (database versions not stated): gnomAD exomes below 0.00001.
gnomAD v4.1: 1 of 1,614,140 alleles (0.000062%); highest among the groups gnomAD compares: Non-Finnish European, 0.000085%; no homozygotes.

Submissions (2):

Blueprint Genetics
Classification: Likely pathogenic for ATP2A2-related disorders. Last evaluated: 2023-03-31. Review status: criteria provided, single submitter. Criteria: ACMG Guidelines, 2015. Collection method: clinical testing. Allele origin: germline. Affected: yes. Observed: 1 variant allele.

Labcorp Genetics (formerly Invitae), Labcorp
Classification: Pathogenic. Last evaluated: 2022-07-09. Review status: criteria provided, single submitter. Criteria: Invitae Variant Classification Sherloc (09022015). Collection method: clinical testing. Allele origin: germline.
Comment: For these reasons, this variant has been classified as Pathogenic. Experimental studies have shown that this missense change affects ATP2A2 function (PMID: 16766529). Advanced modeling of protein sequence and biophysical properties (such as structural, functional, and spatial information, amino acid conservation, physicochemical variation, residue mobility, and thermodynamic stability) performed at Invitae indicates that this missense variant is expected to disrupt ATP2A2 protein function. This missense change has been observed in individuals with Darier disease (PMID: 10441323; Invitae). It has also been observed to segregate with disease in related individuals. This variant is not present in population databases (gnomAD no frequency). This sequence change replaces alanine, which is neutral and non-polar, with threonine, which is neutral and polar, at codon 803 of the ATP2A2 protein (p.Ala803Thr).

Literature cited by the submitters: PubMed 16766529 (cited by Labcorp Genetics (formerly Invitae), Labcorp); PubMed 10441323 (cited by Labcorp Genetics (formerly Invitae), Labcorp).